The following is an entry in ClinVar:

NM_001384140.1(PCDH15):c.1145A>G (p.His382Arg)

Gene: PCDH15 (protocadherin related 15; minus strand). Cytogenetic location: 10q21.1.
Variant type: single nucleotide variant.
Coding change: c.1145A>G on transcript NM_001384140.1 (MANE Select); coding-DNA position 1145, A replaced by G.
Protein change: p.His382Arg; replaces histidine 382 with arginine.
Molecular consequence: missense variant.
Genome position (GRCh38, 1-based): chr10:54,195,843, T>C on the plus strand (A>G on the coding strand, the complement: PCDH15 is on the minus strand). VCF-style: chr10-54195843-T-C. GRCh37 (hg19) VCF-style: chr10-55955603-T-C.
Other names: c.1160A>G, p.His387Arg (NM_001142763.2, NM_001142769.4, NM_001142771.2); c.1145A>G, p.His382Arg (NM_001142764.2, NM_001142765.2, NM_001142766.2 and 7 more transcripts); c.1034A>G, p.His345Arg (NM_001142767.2); c.1079A>G, p.His360Arg (NM_001142768.2, NM_001142773.2, NM_001354404.2); short protein forms H360R, H382R, H387R, H345R.
Identifiers: ClinVar variation 2162958 (VCV002162958.3), dbSNP rs2049564166, ClinGen allele CA376519524.

ClinVar aggregate classification (germline): Uncertain significance. Review status: criteria provided, multiple submitters, no conflicts (2 of 4 stars). 2 submissions from 2 submitters: Uncertain significance (2). Last evaluated 2022-09-07.

Allele frequency attached by ClinVar (database versions not stated): TOPMed below 0.00001; gnomAD 0.00001; gnomAD exomes 0.00001.
gnomAD v4.1: 17 of 1,613,946 alleles (0.0011%); highest among the groups gnomAD compares: Non-Finnish European, 0.0014%; no homozygotes.

Submissions (2):

Labcorp Genetics (formerly Invitae), Labcorp
Classification: Uncertain significance. Last evaluated: 2022-09-07. Review status: criteria provided, single submitter. Criteria: Invitae Variant Classification Sherloc (09022015). Collection method: clinical testing. Allele origin: germline.
Comment: In summary, the available evidence is currently insufficient to determine the role of this variant in disease. Therefore, it has been classified as a Variant of Uncertain Significance. Algorithms developed to predict the effect of missense changes on protein structure and function are either unavailable or do not agree on the potential impact of this missense change (SIFT: "Deleterious"; PolyPhen-2: "Possibly Damaging"; Align-GVGD: "Class C0"). This variant has not been reported in the literature in individuals affected with PCDH15-related conditions. This variant is not present in population databases (gnomAD no frequency). This sequence change replaces histidine, which is basic and polar, with arginine, which is basic and polar, at codon 382 of the PCDH15 protein (p.His382Arg).

Blueprint Genetics
Classification: Uncertain significance. Last evaluated: 2022-01-27. Review status: criteria provided, single submitter. Criteria: ACMG Guidelines, 2015. Collection method: clinical testing. Allele origin: germline.